The following is an entry in ClinVar:

NM_006269.2(RP1):c.5673G>T (p.Leu1891Phe)

Genes: RP1 (RP1 axonemal microtubule associated; plus strand), LOC126860392 (CDK7 strongly-dependent group 2 enhancer GRCh37_chr8:55541319-55542518; plus strand). Cytogenetic location: 8q12.1.
Variant type: single nucleotide variant.
Coding change: c.5673G>T on transcript NM_006269.2 (MANE Select); coding-DNA position 5673, G replaced by T.
Protein change: p.Leu1891Phe; replaces leucine 1891 with phenylalanine.
Molecular consequence: missense variant.
Genome position (GRCh38, 1-based): chr8:54,629,555, G>T. VCF-style: chr8-54629555-G-T. GRCh37 (hg19) VCF-style: chr8-55542115-G-T.
Other names: short protein forms L1891F.
Identifiers: ClinVar variation 252662 (VCV000252662.19), dbSNP rs139088785, ClinGen allele CA4752109.

ClinVar aggregate classification (germline): Conflicting classifications of pathogenicity. Review status: criteria provided, conflicting classifications (1 of 4 stars). 8 submissions from 8 submitters: Uncertain significance (5); Likely benign (1). 2 of the submissions do not count toward it. Last evaluated 2026-06-15.

Conditions:
RP1-related disorder. Also called: RP1-related condition.
Retinitis pigmentosa (RP). Identifiers: Orphanet 791, MedGen C0035334, MeSH D012174, MONDO:0019200, OMIM 268000. Inheritance: Autosomal dominant, autosomal recessive and X linked inheritance.

Allele frequency attached by ClinVar (database versions not stated): gnomAD exomes 0.00021; gnomAD 0.00027 and 0.00028; TOPMed 0.00028; ESP Exome Variant Server 0.00038.
gnomAD v4.1: 842 of 1,613,992 alleles (0.052%); highest among the groups gnomAD compares: Non-Finnish European, 0.066%; no homozygotes.

Submissions (8):

PreventionGenetics, part of Exact Sciences
Classification: Uncertain significance for RP1-related condition. Last evaluated: 2026-06-15. Review status: criteria provided, single submitter. Criteria: ACMG Guidelines, 2015. Collection method: clinical testing. Allele origin: germline.
Comment: The RP1 c.5673G>T variant is predicted to result in the amino acid substitution p.Leu1891Phe. This variant has been reported along with an RP1 frameshift variant in an individual with retinitis pigmentosa (Zhao et al. 2015. PubMed ID: 25472526). This variant was also described in a large cohort of individuals with retinal disease (supplementary data, Mihalich et al. 2024. PubMed ID: 38927702), and it was described as an additional variant of uncertain significance in a patient who harbored a causative OTX2 variant (Bryant et al. 2017. PubMed ID: 29343940). This variant is reported in 0.044% of alleles in individuals of European (Non-Finnish) descent in gnomAD. At this time, the clinical significance of this variant is uncertain due to the absence of conclusive functional and genetic evidence.

Labcorp Genetics (formerly Invitae), Labcorp
Classification: Uncertain significance. Last evaluated: 2025-12-28. Review status: criteria provided, single submitter. Criteria: Invitae Variant Classification Sherloc (09022015). Collection method: clinical testing. Allele origin: germline.
Comment: This sequence change replaces leucine, which is neutral and non-polar, with phenylalanine, which is neutral and non-polar, at codon 1891 of the RP1 protein (p.Leu1891Phe). This variant is present in population databases (rs139088785, gnomAD 0.04%). This missense change has been observed in individual(s) with autosomal recessive retinitis pigmentosa and/or retinal dystrophy (PMID: 25472526, 38927702). ClinVar contains an entry for this variant (Variation ID: 252662). An algorithm developed to predict the effect of missense changes on protein structure and function (PolyPhen-2) suggests that this variant is likely to be disruptive. In summary, the available evidence is currently insufficient to determine the role of this variant in disease. Therefore, it has been classified as a Variant of Uncertain Significance.

Blueprint Genetics
Classification: Likely benign. Last evaluated: 2024-07-29. Review status: criteria provided, single submitter. Criteria: ACMG Guidelines, 2015. Collection method: clinical testing. Allele origin: germline.

Illumina Laboratory Services, Illumina
Classification: Uncertain significance for Retinitis pigmentosa. Last evaluated: 2018-01-12. Review status: criteria provided, single submitter. Criteria: ICSL Variant Classification Criteria 13 December 2019. Collection method: clinical testing. Allele origin: germline.

Genomic Diagnostic Laboratory, Division of Genomic Diagnostics, Children's Hospital of Philadelphia
Classification: Uncertain significance. Last evaluated: 2015-08-10. Review status: criteria provided, single submitter. Criteria: DGD Variant Analysis Guidelines. Collection method: clinical testing. Allele origin: unknown.

Breakthrough Genomics
Classification: Uncertain significance. Review status: criteria provided, single submitter. Criteria: ACMG Guidelines, 2015. Collection method: not provided. Allele origin: germline. Inheritance: Autosomal recessive inheritance. Affected: yes.

Clinical Genetics DNA and cytogenetics Diagnostics Lab, Erasmus MC, Erasmus Medical Center
Classification: Uncertain significance. Review status: no assertion criteria provided. Collection method: clinical testing. Allele origin: germline. Affected: yes. Study: VKGL Data-share Consensus. Not counted in ClinVar's aggregate classification.

Clinical Genetics, Academic Medical Center
Classification: Uncertain significance. Review status: no assertion criteria provided. Collection method: clinical testing. Allele origin: germline. Affected: yes. Study: VKGL Data-share Consensus. Not counted in ClinVar's aggregate classification.

Literature cited by the submitters: PubMed 25472526 (cited by Labcorp Genetics (formerly Invitae), Labcorp); PubMed 38927702 (cited by Labcorp Genetics (formerly Invitae), Labcorp).